The following is an entry in ClinVar:

NM_032043.3(BRIP1):c.2341dup (p.Thr781fs)

Gene: BRIP1 (BRCA1 interacting DNA helicase 1; minus strand). Cytogenetic location: 17q23.2.
Variant type: Duplication.
Coding change: c.2341dup on transcript NM_032043.3 (MANE Select); coding-DNA position 2341, one base duplicated (A; older notation c.2341dupA).
Protein change: p.Thr781fs; shifts the reading frame from threonine 781.
Molecular consequence: frameshift variant.
Genome position (GRCh38, 1-based): chr17:61,743,051, T duplicated on the plus strand (A on the coding strand, the reverse complement: BRIP1 is on the minus strand); the first of 2 consecutive T bases (chr17:61,743,051-61,743,052); duplicating either gives the same sequence. VCF-style (leftmost placement, unchanged base first): chr17-61743050-G-GT. GRCh37 (hg19) VCF-style: chr17-59820411-G-GT.
Other names: c.2341dupA (NM_032043.2); short protein forms T781fs.
Identifiers: ClinVar variation 548828 (VCV000548828.6), dbSNP rs1555590388, ClinGen allele CA658824412.
Genomic context (GRCh38, chr17:61,743,050, plus strand): 5'-AACTTAAGGTTTTGATGGCCTACCTGTAGATCTTTCACATTTGGAAAAGGAATTCCTATT[G>GT]TTATGACAGCACGGGCATTGTCATCTGAGAAATCCAGACCCTCACTCACTTTACCACGAC-3'

ClinVar aggregate classification (germline): Pathogenic. Review status: criteria provided, multiple submitters, no conflicts (2 of 4 stars). 3 submissions from 3 submitters: Pathogenic (2). 1 of the submissions does not count toward it. Last evaluated 2023-02-27.

Conditions:
Familial cancer of breast. Also called: BREAST CANCER, FAMILIAL; Hereditary breast cancer; hereditary breast carcinoma. Identifiers: Orphanet 227535, MedGen C0346153, MONDO:0016419, OMIM 114480. Disease mechanism: loss of function.
Fanconi anemia complementation group J. Also called: BRIP1-Related Fanconi Anemia. Identifiers: Orphanet 84, MedGen C1836860, MONDO:0012187, OMIM 609054.
Ovarian cancer. Also called: OVARIAN CANCER, SOMATIC. Identifiers: Orphanet 213500, MedGen C1140680, MONDO:0008170, OMIM 167000.
Hereditary cancer-predisposing syndrome. Also called: Neoplastic Syndromes, Hereditary; Hereditary neoplastic syndrome; Tumor predisposition; Hereditary Cancer Syndrome. Identifiers: Orphanet 140162, MedGen C0027672, MeSH D009386, MONDO:0015356.

Submissions (3):

Myriad Genetics, Inc.
Classification: Pathogenic for Familial cancer of breast. Last evaluated: 2023-02-27. Review status: criteria provided, single submitter. Criteria: Myriad Autosomal Dominant, Autosomal Recessive and X-Linked Classification Criteria (2023). Collection method: clinical testing. Allele origin: unknown.
Comment: This variant is considered pathogenic. This variant creates a frameshift predicted to result in premature protein truncation.

Color Diagnostics, LLC DBA Color Health
Classification: Pathogenic for Hereditary cancer-predisposing syndrome. Last evaluated: 2019-08-12. Review status: criteria provided, single submitter. Criteria: ACMG Guidelines, 2015. Collection method: clinical testing. Allele origin: germline.
Comment: This variant inserts 1 nucleotide in exon 16 of the BRIP1 gene, creating a frameshift and premature translation stop signal. This variant is expected to result in an absent or non-functional protein product. Computational splicing tools suggest that this variant may not impact RNA splicing. To our knowledge, functional assays have not been performed for this variant nor has this variant been reported in individuals affected with hereditary cancer in the literature. This variant has not been identified in the general population by the Genome Aggregation Database (gnomAD). Loss of BRIP1 function is a known mechanism of disease. Based on available evidence, this variant is classified as Pathogenic.

Counsyl
Classification: Likely pathogenic for Fanconi anemia complementation group J; Ovarian cancer. Last evaluated: 2017-12-27. Review status: no assertion criteria provided. Collection method: clinical testing. Allele origin: unknown. Not counted in ClinVar's aggregate classification.